The following is an entry in ClinVar:

NM_000179.3(MSH6):c.2121A>T (p.Glu707Asp)

Gene: MSH6 (mutS homolog 6; plus strand). Cytogenetic location: 2p16.3.
Variant type: single nucleotide variant.
Coding change: c.2121A>T on transcript NM_000179.3 (MANE Select); coding-DNA position 2121, A replaced by T.
Protein change: p.Glu707Asp; replaces glutamic acid 707 with aspartic acid.
Molecular consequence: missense variant.
Genome position (GRCh38, 1-based): chr2:47,800,104, A>T. VCF-style: chr2-47800104-A-T. GRCh37 (hg19) VCF-style: chr2-48027243-A-T.
Other names: c.1731A>T, p.Glu577Asp (NM_001281492.2); c.1215A>T, p.Glu405Asp (NM_001281493.2, NM_001281494.2); short protein forms E577D, E405D, E707D.
Identifiers: ClinVar variation 920662 (VCV000920662.4), dbSNP rs1114167798, ClinGen allele CA346750992.

ClinVar aggregate classification (germline): Uncertain significance (1 of 4 stars; one submission).

Conditions:
Hereditary cancer-predisposing syndrome. Also called: Neoplastic Syndromes, Hereditary; Tumor predisposition; Hereditary Cancer Syndrome; Hereditary neoplastic syndrome. Identifiers: Orphanet 140162, MedGen C0027672, MeSH D009386, MONDO:0015356.

Submission:

Color Diagnostics, LLC DBA Color Health
Classification: Uncertain significance for Hereditary cancer-predisposing syndrome. Last evaluated: 2024-03-06. Review status: criteria provided, single submitter. Criteria: ACMG Guidelines, 2015. Collection method: clinical testing. Allele origin: germline.
Comment: This missense variant replaces glutamic acid with aspartic acid at codon 707 of the MSH6 protein. Computational prediction is inconclusive regarding the impact of this variant on protein structure and function (internally defined REVEL score threshold 0.5 < inconclusive < 0.7, PMID: 27666373). Splice site prediction tools suggest that this variant may not impact RNA splicing. To our knowledge, functional studies have not been performed for this variant. This variant has not been reported in individuals affected with hereditary cancer in the literature. This variant has not been identified in the general population by the Genome Aggregation Database (gnomAD). The available evidence is insufficient to determine the role of this variant in disease conclusively. Therefore, this variant is classified as a Variant of Uncertain Significance.